The following is an entry in ClinVar:

ClinVar aggregate classification (germline): Benign/Likely benign. Review status: criteria provided, multiple submitters, no conflicts (2 of 4 stars). 2 submissions from 2 submitters: Benign (1); Likely benign (1). Last evaluated 2022-09-01.

Allele frequency attached by ClinVar (database versions not stated): gnomAD exomes 0.00012 and 0.00024; 1000 Genomes Project 30x 0.00047; ExAC 0.00053; 1000 Genomes Project 0.00060; ESP Exome Variant Server 0.00077; gnomAD 0.00080 and 0.00091; TOPMed 0.00092.

Submissions (2):

CeGaT Center for Human Genetics Tuebingen
Classification: Likely benign. Last evaluated: 2022-09-01. Review status: criteria provided, single submitter. Criteria: CeGaT Center For Human Genetics Tuebingen Variant Classification Criteria Version 2. Collection method: clinical testing. Allele origin: germline. Affected: yes. Observed: 2 variant alleles.
Comment: FBXO31: BP4, BP7

Labcorp Genetics (formerly Invitae), Labcorp
Classification: Benign. Last evaluated: 2018-06-01. Review status: criteria provided, single submitter. Criteria: Invitae Variant Classification Sherloc (09022015). Collection method: clinical testing. Allele origin: germline.

NM_024735.5(FBXO31):c.717C>T (p.Ser239=)

Gene: FBXO31 (F-box protein 31; minus strand). Cytogenetic location: 16q24.2.
Variant type: single nucleotide variant.
Coding change: c.717C>T on transcript NM_024735.5 (MANE Select); coding-DNA position 717, C replaced by T.
Protein change: p.Ser239=; no amino-acid change (serine 239 retained).
Molecular consequence: synonymous variant.
Genome position (GRCh38, 1-based): chr16:87,342,892, G>A on the plus strand (C>T on the coding strand, the complement: FBXO31 is on the minus strand). VCF-style: chr16-87342892-G-A. GRCh37 (hg19) VCF-style: chr16-87376498-G-A.
Other names: c.201C>T, p.Ser67= (NM_001282683.2).
Identifiers: ClinVar variation 738514 (VCV000738514.40), dbSNP rs140641305, ClinGen allele CA8219141.